The following is an entry in ClinVar:

NM_000284.4(PDHA1):c.900-3_917dup

Gene: PDHA1 (pyruvate dehydrogenase E1 subunit alpha 1; plus strand). Cytogenetic location: Xp22.12.
Variant type: Duplication.
Coding change: c.900-3_917dup on transcript NM_000284.4 (MANE Select); 3 bases into the intron before coding-DNA position 900 through coding-DNA position 917, 21 bases duplicated (TAGTTACCGTACACGAGAAGA).
Molecular consequence: splice acceptor variant.
Genome position (GRCh38, 1-based): chrX:19,358,913-19,358,933, TAGTTACCGTACACGAGAAGA duplicated; duplicating any 21 consecutive bases within chrX:19,358,912-19,358,933 gives the same sequence; the c. name uses the placement nearest the transcript's 3' end. VCF-style (leftmost placement, unchanged base first): chrX-19358911-C-CATAGTTACCGTACACGAGAAG. GRCh37 (hg19) VCF-style: chrX-19377029-C-CATAGTTACCGTACACGAGAAG.
Other names: c.917_918insTAGTTACCGTACACGAGAAGA (NM_000284.3); c.1014-3_1031dup (NM_001173454.2); c.921-3_938dup (NM_001173455.2); c.807-3_824dup (NM_001173456.2); c.900-3_917dup (NM_000284.3).
Identifiers: ClinVar variation 10877 (VCV000010877.2), dbSNP rs606231188, ClinGen allele CA121211.
Genomic context (GRCh38, chrX:19,358,911, plus strand): 5'-TCACGCCGTCCTTGCTCTACTGGAACTGCTCTTACTGATCGATTACTACTTTTCCCTCCC[C>CATAGTTACCGTACACGAGAAG]ATAGTTACCGTACACGAGAAGAAATTCAGGAAGTAAGAAGTAAGAGTGACCCTATTATGC-3'

ClinVar aggregate classification (germline): Pathogenic/Likely pathogenic. Review status: no assertion criteria provided (0 of 4 stars). 2 submissions from 2 submitters: Pathogenic (1); Likely pathogenic (1). Last evaluated 2024-10-15.

Conditions:
Pyruvate dehydrogenase E1-alpha deficiency (PDHAD). Also called: ATAXIA, INTERMITTENT, WITH PYRUVATE DEHYDROGENASE DEFICIENCY; ATAXIA WITH LACTIC ACIDOSIS I; ATAXIA, INTERMITTENT, WITH ABNORMAL PYRUVATE METABOLISM; Ataxia, intermittent, with pyruvate dehydrogenase, or decarboxylase, deficiency. Identifiers: Orphanet 79243, MedGen C1839413, MONDO:0010717, OMIM 312170.

Submissions (2):

PDHA1 Study Group, University Children’s Hospital, Paracelsus Medical University
Classification: Likely pathogenic for Pyruvate dehydrogenase E1-alpha deficiency. Last evaluated: 2024-10-15. Review status: no assertion criteria provided. Collection method: research. Allele origin: germline. Affected: yes. Observed: 1 variant allele.
Comment: The NM_000284.3:c.900-3_917dup (p.?) variant affects splicing in PDHA1 gene. The variant has been reported in 1 published case (PMIDs: 1770778). Last literature search: July 12, 2024. This variant is absent or extremely rare in population-based cohorts in the Genome Aggregation Database (gnomAD). Individuals harboring this variant presented with clinical features compatible with PDHA1-related PDHc deficiency. In summary, this variant meets criteria to be classified as likely pathogenic (LP) for PDHA1-related PDHc deficiency based on the ACMG/AMP criteria applied: PS3, PM2, PM7, PP3 (last assessment October 15, 2024).

OMIM
Classification: Pathogenic for PYRUVATE DEHYDROGENASE E1-ALPHA DEFICIENCY. Last evaluated: 1998-06-01. Review status: no assertion criteria provided. Collection method: literature only. Allele origin: germline.

Literature cited by the submitters: PubMed 1770778 (cited by PDHA1 Study Group, University Children’s Hospital, Paracelsus Medical University and OMIM); DOI 10.1093/brain/awaf430 (cited by PDHA1 Study Group, University Children’s Hospital, Paracelsus Medical University); PubMed 9686362 (cited by OMIM).